The following is an entry in ClinVar:

ClinVar aggregate classification (germline): Uncertain significance. Review status: criteria provided, multiple submitters, no conflicts (2 of 4 stars). 2 submissions from 2 submitters: Uncertain significance (2). Last evaluated 2024-10-27.

Conditions:
KBG syndrome (KBGS). Also called: ANKRD11-Related KBG Syndrome. Identifiers: Orphanet 2332, MedGen C0220687, MONDO:0007846, OMIM 148050.

Allele frequency attached by ClinVar (database versions not stated): TOPMed below 0.00001; ExAC 0.00001; gnomAD 0.00001; gnomAD exomes 0.00001; 1000 Genomes Project 0.00020; 1000 Genomes Project 30x 0.00031.
gnomAD v4.1: 22 of 1,614,088 alleles (0.0014%); highest among the groups gnomAD compares: Middle Eastern, 0.3%; no homozygotes.

Submissions (2):

Labcorp Genetics (formerly Invitae), Labcorp
Classification: Uncertain significance for KBG syndrome. Last evaluated: 2024-10-27. Review status: criteria provided, single submitter. Criteria: Invitae Variant Classification Sherloc (09022015). Collection method: clinical testing. Allele origin: germline.
Comment: This sequence change replaces aspartic acid, which is acidic and polar, with asparagine, which is neutral and polar, at codon 847 of the ANKRD11 protein (p.Asp847Asn). This variant is present in population databases (rs565590201, gnomAD 0.007%). This variant has not been reported in the literature in individuals affected with ANKRD11-related conditions. ClinVar contains an entry for this variant (Variation ID: 2439100). Invitae Evidence Modeling of protein sequence and biophysical properties (such as structural, functional, and spatial information, amino acid conservation, physicochemical variation, residue mobility, and thermodynamic stability) indicates that this missense variant is not expected to disrupt ANKRD11 protein function with a negative predictive value of 95%. In summary, the available evidence is currently insufficient to determine the role of this variant in disease. Therefore, it has been classified as a Variant of Uncertain Significance.

Revvity Omics, Revvity
Classification: Uncertain significance for KBG syndrome. Last evaluated: 2020-12-15. Review status: criteria provided, single submitter. Criteria: ACMG Guidelines, 2015. Collection method: clinical testing. Allele origin: germline.

NM_013275.6(ANKRD11):c.2539G>A (p.Asp847Asn)

Gene: ANKRD11 (ankyrin repeat domain 11; minus strand). Cytogenetic location: 16q24.3.
Variant type: single nucleotide variant.
Coding change: c.2539G>A on transcript NM_013275.6 (MANE Select); coding-DNA position 2539, G replaced by A.
Protein change: p.Asp847Asn; replaces aspartic acid 847 with asparagine.
Molecular consequence: missense variant.
Genome position (GRCh38, 1-based): chr16:89,284,003, C>T on the plus strand (G>A on the coding strand, the complement: ANKRD11 is on the minus strand). VCF-style: chr16-89284003-C-T. GRCh37 (hg19) VCF-style: chr16-89350411-C-T.
Other names: c.2539G>A, p.Asp847Asn (NM_001256182.2, NM_001256183.2); short protein forms D847N.
Identifiers: ClinVar variation 2439100 (VCV002439100.5), dbSNP rs565590201, ClinGen allele CA8242561.